The following continues an entry in ClinVar:

NM_000492.4(CFTR):c.4333G>A (p.Asp1445Asn)

ClinVar aggregate classification (germline): Conflicting classifications of pathogenicity. Uncertain significance (12); Likely benign (2).

Submissions 7 to 15 of 15:

Blueprint Genetics
Classification: Uncertain significance. Last evaluated: 2024-10-16. Review status: criteria provided, single submitter. Criteria: ACMG Guidelines, 2015. Collection method: clinical testing. Allele origin: germline.

Clinical Genetics and Genomics, Karolinska University Hospital
Classification: Uncertain significance. Last evaluated: 2024-01-26. Review status: criteria provided, single submitter. Criteria: ACMG Guidelines, 2015. Collection method: clinical testing. Allele origin: germline. Affected: yes. Observed: 3 variant alleles.

Ambry Genetics
Classification: Likely benign for Cystic fibrosis. Last evaluated: 2022-10-21. Review status: criteria provided, single submitter. Criteria: Ambry Variant Classification Scheme 2023. Collection method: clinical testing. Allele origin: germline.

Mayo Clinic Laboratories, Mayo Clinic
Classification: Uncertain significance. Last evaluated: 2022-08-04. Review status: criteria provided, single submitter. Criteria: ACMG Guidelines, 2015. Collection method: clinical testing. Allele origin: germline. Observed: 4 variant alleles.

CeGaT Center for Human Genetics Tuebingen
Classification: Uncertain significance. Last evaluated: 2021-10-01. Review status: criteria provided, single submitter. Criteria: CeGaT Center For Human Genetics Tuebingen Variant Classification Criteria Version 2. Collection method: clinical testing. Allele origin: germline. Affected: yes. Observed: 2 variant alleles.

Johns Hopkins Genomics, Johns Hopkins University
Classification: Uncertain significance for Cystic fibrosis. Last evaluated: 2019-11-22. Review status: criteria provided, single submitter. Criteria: ACMG Guidelines, 2015. Collection method: clinical testing. Allele origin: germline.
Comment: The clinical significance of this variant is classified as uncertain by multiple submitters in ClinVar. CFTR c.4333G>A (rs148783445) has been identified in a large population datasets and the minor allele frequency is neither low enough to consider the variant rare (<0.1%) nor high enough to consider it a population polymorphism (>1%) within the African subpopulation (gnomAD: 50/24958 alleles; 0.02%, no homozygotes). Of three bioinformatics tools queried, two predict that the substitution would be possibly damaging, while one predicts that it would be tolerated. The aspartic acid residue at this position is conserved across many, but not all of the species assessed. We consider the clinical significance of c.4333G>A to be uncertain at this time.

Mendelics
Classification: Uncertain significance for Cystic fibrosis. Last evaluated: 2018-11-05. Review status: criteria provided, single submitter. Criteria: Mendelics Assertion Criteria 2017. Collection method: clinical testing. Allele origin: unknown. Affected: yes.

Eurofins Ntd Llc (ga)
Classification: Uncertain significance. Last evaluated: 2018-04-27. Review status: criteria provided, single submitter. Criteria: EGL ClinVar v180209 classification definitions. Collection method: clinical testing. Allele origin: germline. Observed: 9 variant alleles, 9 heterozygotes.

Natera, Inc.
Classification: Uncertain significance for Cystic Fibrosis. Last evaluated: 2017-05-17. Review status: no assertion criteria provided. Collection method: clinical testing. Allele origin: germline. Not counted in ClinVar's aggregate classification.

Literature cited by the submitters: PubMed 36409994 (cited by Quest Diagnostics Nichols Institute San Juan Capistrano and Women's Health and Genetics/Laboratory Corporation of America, LabCorp); PubMed 22995991 (cited by Quest Diagnostics Nichols Institute San Juan Capistrano and Women's Health and Genetics/Laboratory Corporation of America, LabCorp); PubMed 38388235 (cited by Quest Diagnostics Nichols Institute San Juan Capistrano and Women's Health and Genetics/Laboratory Corporation of America, LabCorp); PubMed 37628659 (cited by Quest Diagnostics Nichols Institute San Juan Capistrano); PubMed 36468602 (cited by Quest Diagnostics Nichols Institute San Juan Capistrano); PubMed 23951356 (cited by 3 submitters); PubMed 15858154 (cited by 3 submitters); PubMed 10862786 (cited by 3 submitters); PubMed 26436105 (cited by Quest Diagnostics Nichols Institute San Juan Capistrano and Women's Health and Genetics/Laboratory Corporation of America, LabCorp); PubMed 17003641 (cited by Quest Diagnostics Nichols Institute San Juan Capistrano and Women's Health and Genetics/Laboratory Corporation of America, LabCorp); PubMed 25087612 (cited by Quest Diagnostics Nichols Institute San Juan Capistrano and Women's Health and Genetics/Laboratory Corporation of America, LabCorp); PubMed 33946859 (cited by Quest Diagnostics Nichols Institute San Juan Capistrano and Women's Health and Genetics/Laboratory Corporation of America, LabCorp); PubMed 32819855 (cited by Quest Diagnostics Nichols Institute San Juan Capistrano and Women's Health and Genetics/Laboratory Corporation of America, LabCorp); PubMed 31872980 (cited by Quest Diagnostics Nichols Institute San Juan Capistrano and Women's Health and Genetics/Laboratory Corporation of America, LabCorp); PubMed 31682332 (cited by Quest Diagnostics Nichols Institute San Juan Capistrano and Women's Health and Genetics/Laboratory Corporation of America, LabCorp); PubMed 25735457 (cited by Quest Diagnostics Nichols Institute San Juan Capistrano and Women's Health and Genetics/Laboratory Corporation of America, LabCorp); PubMed 26354092 (cited by Quest Diagnostics Nichols Institute San Juan Capistrano and Women's Health and Genetics/Laboratory Corporation of America, LabCorp); PubMed 20722470 (cited by Quest Diagnostics Nichols Institute San Juan Capistrano and Women's Health and Genetics/Laboratory Corporation of America, LabCorp); PubMed 19897426 (cited by Quest Diagnostics Nichols Institute San Juan Capistrano and Women's Health and Genetics/Laboratory Corporation of America, LabCorp); PubMed 10923036 (cited by Quest Diagnostics Nichols Institute San Juan Capistrano and Women's Health and Genetics/Laboratory Corporation of America, LabCorp); PubMed 34996830 (cited by Quest Diagnostics Nichols Institute San Juan Capistrano); PubMed 34426522 (cited by Quest Diagnostics Nichols Institute San Juan Capistrano); PubMed 26990548 (cited by Quest Diagnostics Nichols Institute San Juan Capistrano); PubMed 33432171 (cited by Quest Diagnostics Nichols Institute San Juan Capistrano); PubMed 32734384 (cited by Quest Diagnostics Nichols Institute San Juan Capistrano); PubMed 32357917 (cited by Quest Diagnostics Nichols Institute San Juan Capistrano and Women's Health and Genetics/Laboratory Corporation of America, LabCorp); PubMed 31665830 (cited by 3 submitters); PubMed 26755536 (cited by 3 submitters); PubMed 26847993 (cited by Quest Diagnostics Nichols Institute San Juan Capistrano and Women's Health and Genetics/Laboratory Corporation of America, LabCorp).